The following is an entry in ClinVar:

ClinVar aggregate classification (germline): Uncertain significance (1 of 4 stars; one submission).

Conditions:
Peroxisome biogenesis disorder. Identifiers: Orphanet 79189, MedGen C1832200, MONDO:0019234. Disease mechanism: loss of function.

Allele frequency attached by ClinVar (database versions not stated): gnomAD exomes below 0.00001 and 0.00001.
gnomAD v4.1: 6 of 1,611,692 alleles (0.00037%); highest among the groups gnomAD compares: South Asian, 0.0011%; no homozygotes.

Submission:

Labcorp Genetics (formerly Invitae), Labcorp
Classification: Uncertain significance for Peroxisome biogenesis disorder. Last evaluated: 2025-01-23. Review status: criteria provided, single submitter. Criteria: Invitae Variant Classification Sherloc (09022015). Collection method: clinical testing. Allele origin: germline.
Comment: This sequence change replaces arginine, which is basic and polar, with glutamine, which is neutral and polar, at codon 275 of the PEX16 protein (p.Arg275Gln). This variant is present in population databases (no rsID available, gnomAD 0.003%). This variant has not been reported in the literature in individuals affected with PEX16-related conditions. ClinVar contains an entry for this variant (Variation ID: 840893). Invitae Evidence Modeling of protein sequence and biophysical properties (such as structural, functional, and spatial information, amino acid conservation, physicochemical variation, residue mobility, and thermodynamic stability) indicates that this missense variant is not expected to disrupt PEX16 protein function with a negative predictive value of 80%. In summary, the available evidence is currently insufficient to determine the role of this variant in disease. Therefore, it has been classified as a Variant of Uncertain Significance.

NM_004813.4(PEX16):c.824G>A (p.Arg275Gln)

Gene: PEX16 (peroxisomal biogenesis factor 16; minus strand). Cytogenetic location: 11p11.2.
Variant type: single nucleotide variant.
Coding change: c.824G>A on transcript NM_004813.4 (MANE Select); coding-DNA position 824, G replaced by A.
Protein change: p.Arg275Gln; replaces arginine 275 with glutamine.
Molecular consequence: missense variant.
Genome position (GRCh38, 1-based): chr11:45,913,882, C>T on the plus strand (G>A on the coding strand, the complement: PEX16 is on the minus strand). VCF-style: chr11-45913882-C-T. GRCh37 (hg19) VCF-style: chr11-45935433-C-T.
Other names: c.824G>A, p.Arg275Gln (NM_057174.3); short protein forms R275Q.
Identifiers: ClinVar variation 840893 (VCV000840893.7), dbSNP rs1383363053, ClinGen allele CA380226051.